The following is an entry in ClinVar:

NM_001385125.1(OPN1SW):c.799A>C (p.Met267Leu)

Gene: OPN1SW (opsin 1, short wave sensitive; minus strand). Cytogenetic location: 7q32.1.
Variant type: single nucleotide variant.
Coding change: c.799A>C on transcript NM_001385125.1 (MANE Select); coding-DNA position 799, A replaced by C.
Protein change: p.Met267Leu; replaces methionine 267 with leucine.
Molecular consequence: missense variant.
Genome position (GRCh38, 1-based): chr7:128,773,768, T>G on the plus strand (A>C on the coding strand, the complement: OPN1SW is on the minus strand). VCF-style: chr7-128773768-T-G. GRCh37 (hg19) VCF-style: chr7-128413822-T-G.
Other names: short protein forms M267L.
Identifiers: ClinVar variation 2753910 (VCV002753910.3), dbSNP rs1354426390, ClinGen allele CA369217799.

ClinVar aggregate classification (germline): Uncertain significance (1 of 4 stars; one submission).

Allele frequency attached by ClinVar (database versions not stated): TOPMed below 0.00001; gnomAD 0.00001.
gnomAD v4.1: 1 of 1,614,056 alleles (0.000062%); highest among the groups gnomAD compares: African/African-American, 0.0013%; no homozygotes.

Submission:

Labcorp Genetics (formerly Invitae), Labcorp
Classification: Uncertain significance. Last evaluated: 2023-11-18. Review status: criteria provided, single submitter. Criteria: Invitae Variant Classification Sherloc (09022015). Collection method: clinical testing. Allele origin: germline.
Comment: This sequence change replaces methionine, which is neutral and non-polar, with leucine, which is neutral and non-polar, at codon 270 of the OPN1SW protein (p.Met270Leu). This variant is not present in population databases (gnomAD no frequency). This variant has not been reported in the literature in individuals affected with OPN1SW-related conditions. An algorithm developed to predict the effect of missense changes on protein structure and function (PolyPhen-2) suggests that this variant is likely to be tolerated. In summary, the available evidence is currently insufficient to determine the role of this variant in disease. Therefore, it has been classified as a Variant of Uncertain Significance.